The following is an entry in ClinVar:

ClinVar aggregate classification (germline): Uncertain significance (1 of 4 stars; one submission).

Submission:

Ambry Genetics
Classification: Uncertain significance. Last evaluated: 2025-02-12. Review status: criteria provided, single submitter. Criteria: Ambry Variant Classification Scheme 2023. Collection method: clinical testing. Allele origin: germline.
Comment: The c.414_418delGGTGT variant, located in coding exon 4 of the RAD51B gene, results from a deletion of 5 nucleotides at nucleotide positions 414 to 418, causing a translational frameshift with a predicted alternate stop codon (p.V139Hfs*2). This alteration is expected to result in loss of function by premature protein truncation or nonsense-mediated mRNA decay. The evidence for this gene-disease relationship is limited; therefore, the clinical significance of this alteration is unclear.

NM_133510.4(RAD51B):c.414_418del (p.Val139fs)

Gene: RAD51B (RAD51 paralog B; plus strand). Cytogenetic location: 14q24.1.
Variant type: Deletion.
Coding change: c.414_418del on transcript NM_133510.4 (MANE Select); coding-DNA positions 414 to 418, 5 bases deleted (GGTGT; older notation c.414_418delGGTGT).
Protein change: p.Val139fs; shifts the reading frame from valine 139.
Molecular consequence: frameshift variant.
Genome position (GRCh38, 1-based): chr14:67,865,101-67,865,105, GGTGT deleted; deleting any 5 consecutive bases within chr14:67,865,098-67,865,105 gives the same sequence; the c. name uses the placement nearest the transcript's 3' end. VCF-style (leftmost placement, unchanged base first): chr14-67865097-CTGTGG-C. GRCh37 (hg19) VCF-style: chr14-68331814-CTGTGG-C.
Other names: c.414_418del, p.Val139fs (NM_001321809.2, NM_001321810.2, NM_001321812.1 and 6 more transcripts); c.300_304del, p.Val101fs (NM_001321815.1); c.57_61del, p.Val20fs (NM_001321817.2); short protein forms V101fs, V20fs, V139fs.
Identifiers: ClinVar variation 3786360 (VCV003786360.1).
Genomic context (GRCh38, chr14:67,865,097, plus strand): 5'-TTTGTATAATGATGAGCATTTTGGCTACATTACCCACCAACATGGGAGGATTAGAAGGAG[CTGTGG>C]TGTACATTGACACAGAGTCTGCATTTAGTGCTGAAAGGTATGAGATTTTATTTTCTATTA-3'